The following is an entry in ClinVar:

NM_145239.3(PRRT2):c.739_740delinsG (p.Pro247fs)

Genes: MVP-DT (MVP divergent transcript; minus strand), PRRT2 (proline rich transmembrane protein 2; plus strand). Cytogenetic location: 16p11.2.
Variant type: Indel.
Coding change: c.739_740delinsG on transcript NM_145239.3 (MANE Select); coding-DNA positions 739 to 740, CC replaced by G.
Protein change: p.Pro247fs; shifts the reading frame from proline 247.
Molecular consequence: frameshift variant.
Genome position (GRCh38, 1-based): chr16:29,813,793-29,813,794, CC replaced by G. VCF-style: chr16-29813793-CC-G. GRCh37 (hg19) VCF-style: chr16-29825114-CC-G.
Other names: c.739_740delinsG, p.Pro247fs (NM_001256442.2, NM_001256443.2); short protein forms P247fs.
Identifiers: ClinVar variation 2682262 (VCV002682262.1), dbSNP rs2543335628, ClinGen allele CA2697555753.

ClinVar aggregate classification (germline): Pathogenic (1 of 4 stars; one submission).

Conditions:
Episodic kinesigenic dyskinesia 1 (EKD1). Also called: DYSTONIA, FAMILIAL PAROXYSMAL; PAROXYSMAL KINESIGENIC CHOREOATHETOSIS; Dystonia 10; PRRT2-Related Paroxysmal Kinesigenic Dyskinesia (PKD); PxMD-PRRT2. Identifiers: Orphanet 98809, MedGen C4552000, MONDO:0100352, OMIM 128200, MONDO:0007494.

Submission:

Women's Health and Genetics/Laboratory Corporation of America, LabCorp
Classification: Pathogenic for Episodic kinesigenic dyskinesia 1. Last evaluated: 2023-11-22. Review status: criteria provided, single submitter. Criteria: LabCorp Variant Classification Summary - May 2015. Collection method: clinical testing. Allele origin: germline.
Comment: Variant summary: PRRT2 c.739_740delinsG (p.Pro247AlafsX66) results in a premature termination codon, predicted to cause a truncation of the encoded protein or absence of the protein due to nonsense mediated decay, which are commonly known mechanisms for disease. The variant was absent in 246258 control chromosomes. To our knowledge, no occurrence of c.739_740delinsG in individuals affected with Episodic Kinesigenic Dyskinesia 1 and no experimental evidence demonstrating its impact on protein function have been reported. No submitters have cited clinical-significance assessments for this variant to ClinVar after 2014. Based on the evidence outlined above, the variant was classified as pathogenic.